The following is an entry in ClinVar:

NM_000222.3(KIT):c.1430C>A (p.Ser477Tyr)

Gene: KIT (KIT proto-oncogene, receptor tyrosine kinase; plus strand). Cytogenetic location: 4q12.
Variant type: single nucleotide variant.
Coding change: c.1430C>A on transcript NM_000222.3 (MANE Select); coding-DNA position 1430, C replaced by A.
Protein change: p.Ser477Tyr; replaces serine 477 with tyrosine.
Molecular consequence: missense variant.
Genome position (GRCh38, 1-based): chr4:54,725,940, C>A. VCF-style: chr4-54725940-C-A. GRCh37 (hg19) VCF-style: chr4-55592106-C-A.
Other names: c.1430C>A, p.Ser477Tyr (NM_001093772.2, NM_001385285.1, NM_001385286.1); c.1433C>A, p.Ser478Tyr (NM_001385284.1, NM_001385288.1, NM_001385290.1 and 1 more transcripts); short protein forms S478Y, S477Y.
Identifiers: ClinVar variation 1772490 (VCV001772490.8), dbSNP rs2109768879, ClinGen allele CA356906377.

ClinVar aggregate classification (germline): Uncertain significance. Review status: criteria provided, multiple submitters, no conflicts (2 of 4 stars). 2 submissions from 2 submitters: Uncertain significance (2). Last evaluated 2024-05-24.

Conditions:
Gastrointestinal stromal tumor. Also called: Gastrointestinal stromal tumor, somatic; Gastrointestinal stroma tumor. Identifiers: Orphanet 44890, MedGen C0238198, MeSH D046152, MONDO:0011719, OMIM 606764, HP:0100723.
Hereditary cancer-predisposing syndrome. Also called: Neoplastic Syndromes, Hereditary; Tumor predisposition; Hereditary Cancer Syndrome; Hereditary neoplastic syndrome. Identifiers: Orphanet 140162, MedGen C0027672, MeSH D009386, MONDO:0015356.

Submissions (2):

Ambry Genetics
Classification: Uncertain significance for Hereditary cancer-predisposing syndrome. Last evaluated: 2024-05-24. Review status: criteria provided, single submitter. Criteria: Ambry Variant Classification Scheme 2023. Collection method: clinical testing. Allele origin: germline.
Comment: The p.S477Y variant (also known as c.1430C>A), located in coding exon 9 of the KIT gene, results from a C to A substitution at nucleotide position 1430. The serine at codon 477 is replaced by tyrosine, an amino acid with dissimilar properties. This amino acid position is conserved. In addition, this alteration is predicted to be tolerated by in silico analysis. Since supporting evidence is limited at this time, the clinical significance of this alteration remains unclear.

Labcorp Genetics (formerly Invitae), Labcorp
Classification: Uncertain significance for Gastrointestinal stromal tumor. Last evaluated: 2023-06-04. Review status: criteria provided, single submitter. Criteria: Invitae Variant Classification Sherloc (09022015). Collection method: clinical testing. Allele origin: germline.
Comment: This variant has not been reported in the literature in individuals affected with KIT-related conditions. This variant is not present in population databases (gnomAD no frequency). This sequence change replaces serine, which is neutral and polar, with tyrosine, which is neutral and polar, at codon 477 of the KIT protein (p.Ser477Tyr). An algorithm developed to predict the effect of missense changes on protein structure and function (PolyPhen-2) suggests that this variant is likely to be disruptive. ClinVar contains an entry for this variant (Variation ID: 1772490). In summary, the available evidence is currently insufficient to determine the role of this variant in disease. Therefore, it has been classified as a Variant of Uncertain Significance.